The following is an entry in ClinVar:

ClinVar aggregate classification (germline): Uncertain significance (1 of 4 stars; one submission).

Allele frequency attached by ClinVar (database versions not stated): gnomAD exomes below 0.00001.
gnomAD v4.1: 2 of 1,613,488 alleles (0.00012%); highest among the groups gnomAD compares: Admixed American, 0.0017%; no homozygotes.

Submission:

Labcorp Genetics (formerly Invitae), Labcorp
Classification: Uncertain significance. Last evaluated: 2022-06-03. Review status: criteria provided, single submitter. Criteria: Invitae Variant Classification Sherloc (09022015). Collection method: clinical testing. Allele origin: germline.
Comment: This sequence change replaces proline, which is neutral and non-polar, with serine, which is neutral and polar, at codon 103 of the CIB2 protein (p.Pro103Ser). This variant is present in population databases (no rsID available, gnomAD 0.003%). This variant has not been reported in the literature in individuals affected with CIB2-related conditions. ClinVar contains an entry for this variant (Variation ID: 938450). Algorithms developed to predict the effect of missense changes on protein structure and function (SIFT, PolyPhen-2, Align-GVGD) all suggest that this variant is likely to be disruptive. In summary, the available evidence is currently insufficient to determine the role of this variant in disease. Therefore, it has been classified as a Variant of Uncertain Significance.

NM_006383.4(CIB2):c.307C>T (p.Pro103Ser)

Gene: CIB2 (calcium and integrin binding family member 2; minus strand). Cytogenetic location: 15q25.1.
Variant type: single nucleotide variant.
Coding change: c.307C>T on transcript NM_006383.4 (MANE Select); coding-DNA position 307, C replaced by T.
Protein change: p.Pro103Ser; replaces proline 103 with serine.
Molecular consequence: missense variant. On other transcripts: non-coding transcript variant (1).
Genome position (GRCh38, 1-based): chr15:78,109,274, G>A on the plus strand (C>T on the coding strand, the complement: CIB2 is on the minus strand). VCF-style: chr15-78109274-G-A. GRCh37 (hg19) VCF-style: chr15-78401616-G-A.
Other names: c.178C>T, p.Pro60Ser (NM_001271888.2); c.160C>T, p.Pro54Ser (NM_001271889.2); c.322C>T, p.Pro108Ser (NM_001301224.2); short protein forms P54S, P60S, P108S, P103S.
Identifiers: ClinVar variation 938450 (VCV000938450.9), dbSNP rs1567050017, ClinGen allele CA393546819.
Genomic context (GRCh38, chr15:78,109,274, plus strand): 5'-CCCTCCTCTAGCCCTGGTTACCATAGATCTTGAAGGCATAGTTTGCCTTGAGCTCTCGGG[G>A]AGCCGACTCGCAGAGCACGGAAAACATGTCCACAAAGTCGTTGAAAGTGAGGTTCCCCTC-3'
Protein context (NP_006374.1, residues 93-113): DMFSVLCESA[Pro103Ser]RELKANYAFK